The following is an entry in ClinVar:

NM_013450.4(BAZ2B):c.6389G>T (p.Arg2130Met)

Gene: BAZ2B (bromodomain adjacent to zinc finger domain 2B; minus strand). Cytogenetic location: 2q24.2.
Variant type: single nucleotide variant.
Coding change: c.6389G>T on transcript NM_013450.4 (MANE Select); coding-DNA position 6389, G replaced by T.
Protein change: p.Arg2130Met; replaces arginine 2130 with methionine.
Molecular consequence: missense variant.
Genome position (GRCh38, 1-based): chr2:159,320,383, C>A on the plus strand (G>T on the coding strand, the complement: BAZ2B is on the minus strand). VCF-style: chr2-159320383-C-A. GRCh37 (hg19) VCF-style: chr2-160176894-C-A.
Other names: c.6281G>T, p.Arg2094Met (NM_001289975.1); c.6332G>T, p.Arg2111Met (NM_001329857.2); c.6314G>T, p.Arg2105Met (NM_001329858.2); short protein forms R2094M, R2105M, R2111M, R2130M.
Identifiers: ClinVar variation 4885317 (VCV004885317.2).

ClinVar aggregate classification (germline): Uncertain significance (1 of 4 stars; one submission).

gnomAD v4.1: 1 of 1,579,014 alleles (0.000063%); no homozygotes.

Submission:

Dasa
Classification: Uncertain significance. Last evaluated: 2026-04-14. Review status: criteria provided, single submitter. Criteria: DASA Assertion Criteria. Collection method: clinical testing. Allele origin: germline.
Comment: NM_013450.4(BAZ2B):c.6389G>T (p.Arg2130Met) is a missense variant that results in the substitution of arginine with methionine. This variant is rare in population databases. The currently available literature and clinical evidence are not sufficient to establish a definitive association between this variant and the reported condition. Therefore, this variant is classified as a variant of uncertain significance.